The following is an entry in ClinVar:

ClinVar aggregate classification (germline): Uncertain significance (1 of 4 stars; one submission).

Conditions:
Familial hypocalciuric hypercalcemia (FHH). Also called: Familial benign hypercalcemia. Identifiers: Orphanet 405, MedGen C1809471, MONDO:0018458.
Autosomal dominant hypocalcemia 1 (HYPOC1). Also called: HYPOCALCEMIA, FAMILIAL. Identifiers: MedGen C3715128, MONDO:0011013, OMIM 601198.

Submission:

Labcorp Genetics (formerly Invitae), Labcorp
Classification: Uncertain significance for Familial hypocalciuric hypercalcemia; Autosomal dominant hypocalcemia 1. Last evaluated: 2025-11-02. Review status: criteria provided, single submitter. Criteria: Invitae Variant Classification Sherloc (09022015). Collection method: clinical testing. Allele origin: germline.
Comment: This sequence change replaces valine, which is neutral and non-polar, with methionine, which is neutral and non-polar, at codon 141 of the CASR protein (p.Val141Met). This variant is not present in population databases (gnomAD no frequency). This variant has not been reported in the literature in individuals affected with CASR-related conditions. ClinVar contains an entry for this variant (Variation ID: 2096289). An algorithm developed to predict the effect of missense changes on protein structure and function (PolyPhen-2) suggests that this variant is likely to be disruptive. In summary, the available evidence is currently insufficient to determine the role of this variant in disease. Therefore, it has been classified as a Variant of Uncertain Significance.

NM_000388.4(CASR):c.421G>A (p.Val141Met)

Gene: CASR (calcium sensing receptor; plus strand). Cytogenetic location: 3q21.1.
Variant type: single nucleotide variant.
Coding change: c.421G>A on transcript NM_000388.4 (MANE Select); coding-DNA position 421, G replaced by A.
Protein change: p.Val141Met; replaces valine 141 with methionine.
Molecular consequence: missense variant.
Genome position (GRCh38, 1-based): chr3:122,257,316, G>A. VCF-style: chr3-122257316-G-A. GRCh37 (hg19) VCF-style: chr3-121976163-G-A.
Other names: c.421G>A, p.Val141Met (NM_001178065.2); short protein forms V141M.
Identifiers: ClinVar variation 2096289 (VCV002096289.4), dbSNP rs2473215057, ClinGen allele CA354362866.